The following is an entry in ClinVar:

ClinVar aggregate classification (germline): Uncertain significance. Review status: criteria provided, multiple submitters, no conflicts (2 of 4 stars). 3 submissions from 3 submitters: Uncertain significance (3). Last evaluated 2025-08-11.

Conditions:
Drash syndrome (DDS). Also called: WILMS TUMOR AND PSEUDO- OR TRUE HERMAPHRODITISM; NEPHROPATHY, WILMS TUMOR, AND GENITAL ANOMALIES. Identifiers: Orphanet 220, MedGen C0950121, MONDO:0008682, OMIM 194080.
Wilms tumor 1 (WT1). Also called: Wilms tumor, somatic. Identifiers: Orphanet 654, MedGen CN033288, MONDO:0008679, OMIM 194070.
11p partial monosomy syndrome (WAGR). Also called: WAGR Spectrum Disorder; CHROMOSOME 11p13 DELETION SYNDROME; WAGR syndrome; WAGR Complex. Identifiers: Orphanet 893, MedGen C0206115, MONDO:0008681, OMIM 194072.
Frasier syndrome. Identifiers: Orphanet 347, MedGen C0950122, MeSH D052159, MONDO:0007635, OMIM 136680.
Inborn genetic diseases. Identifiers: MedGen C0950123, MeSH D030342.
Aniridia 1 (AN1). Identifiers: Orphanet 250923, MedGen C0344542, MONDO:0024507, OMIM 106210.
Meacham syndrome. Also called: Meacham Winn Culler syndrome. Identifiers: Orphanet 3097, MedGen C1837026, MONDO:0012164, OMIM 608978.
Mesothelioma, malignant (MESOM). Also called: Malignant mesothelioma (disease). Identifiers: Orphanet 50251, MedGen C0345967, MONDO:0006292, OMIM 156240, HP:0100001.
Nephrotic syndrome, type 4 (NPHS4). Also called: Familial mesangial sclerosis; Nephrotic syndrome, early onset with diffuse mesangial sclerosis. Identifiers: Orphanet 656, MedGen C3151568, MONDO:0009733, OMIM 256370.

Allele frequency attached by ClinVar (database versions not stated): gnomAD exomes 0.00001 and 0.00002; TOPMed 0.00004.
gnomAD v4.1: 34 of 1,524,240 alleles (0.0022%); highest among the groups gnomAD compares: Non-Finnish European, 0.0028%; no homozygotes.

Submissions (3):

Labcorp Genetics (formerly Invitae), Labcorp
Classification: Uncertain significance for Wilms tumor 1; Drash syndrome; 11p partial monosomy syndrome; Frasier syndrome. Last evaluated: 2025-08-11. Review status: criteria provided, single submitter. Criteria: Invitae Variant Classification Sherloc (09022015). Collection method: clinical testing. Allele origin: germline.
Comment: This sequence change replaces proline, which is neutral and non-polar, with glutamine, which is neutral and polar, at codon 124 of the WT1 protein (p.Pro124Gln). This variant is present in population databases (no rsID available, gnomAD 0.003%). This variant has not been reported in the literature in individuals affected with WT1-related conditions. ClinVar contains an entry for this variant (Variation ID: 639084). Invitae Evidence Modeling of protein sequence and biophysical properties (such as structural, functional, and spatial information, amino acid conservation, physicochemical variation, residue mobility, and thermodynamic stability) has been performed for this missense variant. However, the output from this modeling did not meet the statistical confidence thresholds required to predict the impact of this variant on WT1 protein function. In summary, the available evidence is currently insufficient to determine the role of this variant in disease. Therefore, it has been classified as a Variant of Uncertain Significance.

Ambry Genetics
Classification: Uncertain significance for Inborn genetic diseases. Last evaluated: 2025-01-09. Review status: criteria provided, single submitter. Criteria: Ambry Variant Classification Scheme 2023. Collection method: clinical testing. Allele origin: germline.
Comment: The p.P124Q variant (also known as c.371C>A), located in coding exon 1 of the WT1 gene, results from a C to A substitution at nucleotide position 371. The proline at codon 124 is replaced by glutamine, an amino acid with similar properties. This amino acid position is conserved. In addition, this alteration is predicted to be tolerated by in silico analysis. Based on the available evidence, the clinical significance of this variant remains unclear.

Fulgent Genetics
Classification: Uncertain significance for Aniridia 1; Frasier syndrome; Mesothelioma, malignant; Wilms tumor 1; 11p partial monosomy syndrome; Drash syndrome; Nephrotic syndrome, type 4; Meacham syndrome. Last evaluated: 2021-08-30. Review status: criteria provided, single submitter. Criteria: ACMG Guidelines, 2015. Collection method: clinical testing. Allele origin: unknown.

NM_024426.6(WT1):c.386C>A (p.Pro129Gln)

Genes: WT1 (WT1 transcription factor; minus strand), LOC107982234 (WT1/WT1-AS bi-directional promoter region; plus strand). Cytogenetic location: 11p13.
Variant type: single nucleotide variant.
Coding change: c.386C>A on transcript NM_024426.6 (MANE Select); coding-DNA position 386, C replaced by A.
Protein change: p.Pro129Gln; replaces proline 129 with glutamine.
Molecular consequence: missense variant. On other transcripts: non-coding transcript variant (1).
Genome position (GRCh38, 1-based): chr11:32,434,975, G>T on the plus strand (C>A on the coding strand, the complement: WT1 is on the minus strand). VCF-style: chr11-32434975-G-T. GRCh37 (hg19) VCF-style: chr11-32456521-G-T.
Other names: c.386C>A, p.Pro129Gln (NM_000378.6, NM_024424.5); short protein forms P129Q.
Identifiers: ClinVar variation 639084 (VCV000639084.11), dbSNP rs745435848, ClinGen allele CA219511099.